The following is an entry in ClinVar:

ClinVar aggregate classification (germline): Uncertain significance (1 of 4 stars; one submission).

Conditions:
Autosomal recessive mendelian susceptibility to mycobacterial diseases due to complete RORgamma receptor deficiency. Also called: Immunodeficiency 42. Identifiers: Orphanet 477857, MedGen C5567647, MONDO:0014710, OMIM 616622.

Submission:

Labcorp Genetics (formerly Invitae), Labcorp
Classification: Uncertain significance for Autosomal recessive mendelian susceptibility to mycobacterial diseases due to complete RORgamma receptor deficiency. Last evaluated: 2022-11-01. Review status: criteria provided, single submitter. Criteria: Invitae Variant Classification Sherloc (09022015). Collection method: clinical testing. Allele origin: germline.
Comment: In summary, the available evidence is currently insufficient to determine the role of this variant in disease. Therefore, it has been classified as a Variant of Uncertain Significance. Algorithms developed to predict the effect of sequence changes on RNA splicing suggest that this variant may disrupt the consensus splice site. ClinVar contains an entry for this variant (Variation ID: 1393651). This variant has not been reported in the literature in individuals affected with RORC-related conditions. This variant is not present in population databases (gnomAD no frequency). This sequence change affects codon 354 of the RORC mRNA. It is a 'silent' change, meaning that it does not change the encoded amino acid sequence of the RORC protein.

NM_005060.4(RORC):c.1062A>G (p.Lys354=)

Gene: RORC (RAR related orphan receptor C; minus strand). Cytogenetic location: 1q21.3.
Variant type: single nucleotide variant.
Coding change: c.1062A>G on transcript NM_005060.4 (MANE Select); coding-DNA position 1062, A replaced by G.
Protein change: p.Lys354=; no amino-acid change (lysine 354 retained).
Molecular consequence: synonymous variant.
Genome position (GRCh38, 1-based): chr1:151,813,492, T>C on the plus strand (A>G on the coding strand, the complement: RORC is on the minus strand). VCF-style: chr1-151813492-T-C. GRCh37 (hg19) VCF-style: chr1-151785968-T-C.
Other names: c.999A>G, p.Lys333= (NM_001001523.2).
Identifiers: ClinVar variation 1393651 (VCV001393651.6), dbSNP rs2101656406, ClinGen allele CA420913042.